The following is an entry in ClinVar:

NM_025136.4(OPA3):c.248_251dup (p.Gly85fs)

Genes: OPA3 (outer mitochondrial membrane lipid metabolism regulator OPA3; minus strand), OPA3-RTN2 (OPA3-RTN2 readthrough; minus strand). Cytogenetic location: 19q13.32.
Variant type: Duplication.
Coding change: c.248_251dup on transcript NM_025136.4 (MANE Select); coding-DNA positions 248 to 251, 4 bases duplicated (TGCT; older notation c.248_251dupTGCT).
Protein change: p.Gly85fs; shifts the reading frame from glycine 85.
Molecular consequence: frameshift variant. On other transcripts: intron variant (1).
Genome position (GRCh38, 1-based): chr19:45,553,803-45,553,806, AGCA duplicated on the plus strand (TGCT on the coding strand, the reverse complement: OPA3 is on the minus strand). VCF-style (leftmost placement, unchanged base first): chr19-45553802-C-CAGCA. GRCh37 (hg19) VCF-style: chr19-46057060-C-CAGCA.
Other names: c.143-24350_143-24347dup (NM_001017989.3); c.248_251dupTGCT (NM_025136.3); c.248_251dup (NM_025136.3); short protein forms G85fs.
Identifiers: ClinVar variation 557368 (VCV000557368.3), dbSNP rs1555732942, ClinGen allele CA658825087.
Genomic context (GRCh38, chr19:45,553,802, plus strand): 5'-GTGGCGCCAGTACTCCAGCACTAGGCAGCCGCCGCCCACGATGAAGATGGTGGCTTCGCC[C>CAGCA]AGCAGCTCTGCGCCCAGCTCAGCTGCCGCCTCCTCGTTCAGCGGCTTGATGACCGTGCCC-3'

ClinVar aggregate classification (germline): Likely pathogenic. Review status: criteria provided, single submitter (1 of 4 stars). 2 submissions from 2 submitters: Likely pathogenic (1). 1 of the submissions does not count toward it. Last evaluated 2024-05-27.

Conditions:
3-Methylglutaconic aciduria type 3 (MGCA3). Also called: Costeff Syndrome; OPA3, AUTOSOMAL RECESSIVE; OPTIC ATROPHY 3, AUTOSOMAL RECESSIVE; OPA3-Related 3-Methylglutaconic Aciduria. Identifiers: Orphanet 67047, MedGen C0574084, MONDO:0009787, OMIM 258501.

Submissions (2):

Natera, Inc.
Classification: Likely pathogenic for 3-methylglutaconic aciduria type 3. Last evaluated: 2024-05-27. Review status: criteria provided, single submitter. Criteria: Natera Variant Classification Schema (03/2026). Collection method: clinical testing. Allele origin: germline.
Comment: The c.248_251dup variant in OPA3 is a frameshift variant predicted to elongate the protein beyond the termination codon. This variant is expected to result in nonsense mediated decay, truncation, or a dysfunctional protein product. This variant is rare in the general population with a frequency below the threshold expected for the associated phenotype(s). Given the available evidence, this variant is classified as Likely Pathogenic.

Counsyl
Classification: Uncertain significance for 3-Methylglutaconic aciduria type 3. Last evaluated: 2018-03-20. Review status: no assertion criteria provided. Collection method: clinical testing. Allele origin: unknown. Not counted in ClinVar's aggregate classification.